The following is an entry in ClinVar:

NM_000038.6(APC):c.6020A>C (p.Tyr2007Ser)

Gene: APC (APC regulator of Wnt signaling pathway; plus strand). Cytogenetic location: 5q22.2.
Variant type: single nucleotide variant.
Coding change: c.6020A>C on transcript NM_000038.6 (MANE Select); coding-DNA position 6020, A replaced by C.
Protein change: p.Tyr2007Ser; replaces tyrosine 2007 with serine.
Molecular consequence: missense variant.
Genome position (GRCh38, 1-based): chr5:112,841,614, A>C. VCF-style: chr5-112841614-A-C. GRCh37 (hg19) VCF-style: chr5-112177311-A-C.
Other names: c.6020A>C, p.Tyr2007Ser (NM_001127510.3, NM_001354895.2); c.5966A>C, p.Tyr1989Ser (NM_001127511.3); c.6074A>C, p.Tyr2025Ser (NM_001354896.2); c.6050A>C, p.Tyr2017Ser (NM_001354897.2); c.5945A>C, p.Tyr1982Ser (NM_001354898.2); c.5936A>C, p.Tyr1979Ser (NM_001354899.2); c.5897A>C, p.Tyr1966Ser (NM_001354900.2); c.5843A>C, p.Tyr1948Ser (NM_001354901.2); and 5 more; short protein forms Y1948S, Y1966S, Y2025S, Y1724S, Y1881S, Y1916S, Y1982S, Y2017S.
Identifiers: ClinVar variation 949781 (VCV000949781.10), dbSNP rs752604668, ClinGen allele CA16034504.

ClinVar aggregate classification (germline): Uncertain significance. Review status: criteria provided, multiple submitters, no conflicts (2 of 4 stars). 2 submissions from 2 submitters: Uncertain significance (2). Last evaluated 2025-02-17.

Conditions:
Hereditary cancer-predisposing syndrome. Also called: Hereditary neoplastic syndrome; Neoplastic Syndromes, Hereditary; Tumor predisposition; Hereditary Cancer Syndrome. Identifiers: Orphanet 140162, MedGen C0027672, MeSH D009386, MONDO:0015356.
Familial adenomatous polyposis 1 (FAP1). Also called: FAMILIAL ADENOMATOUS POLYPOSIS 1, ATTENUATED; POLYPOSIS, ADENOMATOUS INTESTINAL. Identifiers: MedGen C2713442, MONDO:0021056, OMIM 175100. Disease mechanism: loss of function.

Submissions (2):

Labcorp Genetics (formerly Invitae), Labcorp
Classification: Uncertain significance for Familial adenomatous polyposis 1. Last evaluated: 2025-02-17. Review status: criteria provided, single submitter. Criteria: Invitae Variant Classification Sherloc (09022015). Collection method: clinical testing. Allele origin: germline.
Comment: This sequence change replaces tyrosine, which is neutral and polar, with serine, which is neutral and polar, at codon 2007 of the APC protein (p.Tyr2007Ser). This variant is not present in population databases (gnomAD no frequency). This variant has not been reported in the literature in individuals affected with APC-related conditions. ClinVar contains an entry for this variant (Variation ID: 949781). Invitae Evidence Modeling of protein sequence and biophysical properties (such as structural, functional, and spatial information, amino acid conservation, physicochemical variation, residue mobility, and thermodynamic stability) indicates that this missense variant is not expected to disrupt APC protein function with a negative predictive value of 95%. In summary, the available evidence is currently insufficient to determine the role of this variant in disease. Therefore, it has been classified as a Variant of Uncertain Significance.

Ambry Genetics
Classification: Uncertain significance for Hereditary cancer-predisposing syndrome. Last evaluated: 2024-06-22. Review status: criteria provided, single submitter. Criteria: Ambry Variant Classification Scheme 2023. Collection method: clinical testing. Allele origin: germline.
Comment: The p.Y2007S variant (also known as c.6020A>C), located in coding exon 15 of the APC gene, results from an A to C substitution at nucleotide position 6020. The tyrosine at codon 2007 is replaced by serine, an amino acid with dissimilar properties. This amino acid position is conserved. In addition, in silico predictors for this gene do not accurately predict pathogenicity. Based on the available evidence, the clinical significance of this variant remains unclear.